The following is an entry in ClinVar:

ClinVar aggregate classification (germline): Uncertain significance (1 of 4 stars; one submission).

Conditions:
Lymphatic malformation 6 (LMPHM6). Also called: GENERALIZED LYMPHATIC DYSPLASIA OF FOTIOU; Lymphedema, hereditary, III; PIEZO1-related generalized lymphatic dysplasia with non-immune hydrops fetalis. Identifiers: Orphanet 568062, MedGen C4225184, MONDO:0014797, OMIM 616843.

Submission:

Victorian Clinical Genetics Services, Murdoch Childrens Research Institute
Classification: Uncertain significance for Lymphatic malformation 6. Last evaluated: 2023-07-16. Review status: criteria provided, single submitter. Criteria: ACMG Guidelines, 2015. Collection method: clinical testing. Allele origin: germline. Inheritance: Autosomal recessive inheritance. Affected: yes.
Comment: Based on the classification scheme VCGS_Germline_v1.3.4, this variant is classified as VUS-3A. Following criteria are met: 0103 - Loss of function and gain of function are known mechanisms of disease in this gene and are associated with lymphatic malformation 6 (LMPHM6; MIM#616843), and dehydrated hereditary stomatocytosis with or without pseudohyperkalemia and/or perinatal edema (DHS; MIM#194380), respectively (OMIM). (I) 0108 - This gene is associated with both recessive and dominant disease. LMPHM6 has been reported in individuals with biallelic variants, while DHS has only been reported in individuals with heterozygous missense variants or inframe duplication variants with a gain of function mechanism (OMIM). (I) 0212 - Non-canonical splice site variant without proven consequence on splicing (no functional evidence available). (SP) 0251 - This variant is heterozygous. (I) 0301 - Variant is absent from gnomAD (both v2 and v3). (SP) 0508 - Abnormal splicing is predicted but nucleotide is poorly conserved. (I) 0705 - No comparable splice variants have previous evidence for pathogenicity. (I) 0807 - This variant has no previous evidence of pathogenicity. (I) 0905 - No published segregation evidence has been identified for this variant. (I) 1007 - No published functional evidence has been identified for this variant. (I) 1201 - Heterozygous variant detected in trans with a second pathogenic heterozygous variant (c.2248G>T; p.(Glu750*)) in a recessive disease. (I) Legend: (SP) - Supporting pathogenic, (I) - Information, (SB) - Supporting benign

NM_001142864.4(PIEZO1):c.64+5G>T

Gene: PIEZO1 (piezo type mechanosensitive ion channel component 1 (Er blood group); minus strand). Cytogenetic location: 16q24.3.
Variant type: single nucleotide variant.
Coding change: c.64+5G>T on transcript NM_001142864.4 (MANE Select); 5 bases into the intron after coding-DNA position 64, G replaced by T.
Molecular consequence: intron variant.
Genome position (GRCh38, 1-based): chr16:88,784,896, C>A on the plus strand (G>T on the coding strand, the complement: PIEZO1 is on the minus strand). VCF-style: chr16-88784896-C-A. GRCh37 (hg19) VCF-style: chr16-88851304-C-A.
Identifiers: ClinVar variation 3376776 (VCV003376776.1).